The following is an entry in ClinVar:

ClinVar aggregate classification (germline): Uncertain significance (1 of 4 stars; one submission).

Submission:

GeneDx
Classification: Uncertain significance. Last evaluated: 2023-06-11. Review status: criteria provided, single submitter. Criteria: GeneDx Variant Classification Process June 2021. Collection method: clinical testing. Allele origin: germline. Affected: yes.
Comment: Not observed at significant frequency in large population cohorts (gnomAD); In silico analysis supports that this missense variant has a deleterious effect on protein structure/function; Has not been previously published as pathogenic or benign to our knowledge

NM_002055.5(GFAP):c.824T>G (p.Leu275Arg)

Gene: GFAP (glial fibrillary acidic protein; minus strand). Cytogenetic location: 17q21.31.
Variant type: single nucleotide variant.
Coding change: c.824T>G on transcript NM_002055.5 (MANE Select); coding-DNA position 824, T replaced by G.
Protein change: p.Leu275Arg; replaces leucine 275 with arginine.
Molecular consequence: missense variant.
Genome position (GRCh38, 1-based): chr17:44,911,754, A>C on the plus strand (T>G on the coding strand, the complement: GFAP is on the minus strand). VCF-style: chr17-44911754-A-C. GRCh37 (hg19) VCF-style: chr17-42989122-A-C.
Other names: c.824T>G, p.Leu275Arg (NM_001131019.3, NM_001242376.3, NM_001363846.2); short protein forms L275R.
Identifiers: ClinVar variation 3359749 (VCV003359749.1).